The following is an entry in ClinVar:

ClinVar aggregate classification (germline): Uncertain significance (1 of 4 stars; one submission).

Conditions:
Hypertrophic cardiomyopathy. Also called: HYPERTROPHIC MYOCARDIOPATHY. Identifiers: Orphanet 217569, MedGen C0007194, MeSH D002312, MONDO:0005045, HP:0001639.

Allele frequency attached by ClinVar (database versions not stated): TOPMed below 0.00001; gnomAD exomes 0.00002.
gnomAD v4.1: 12 of 1,570,688 alleles (0.00076%); highest among the groups gnomAD compares: Admixed American, 0.0017%; no homozygotes.

Submission:

Labcorp Genetics (formerly Invitae), Labcorp
Classification: Uncertain significance for Hypertrophic cardiomyopathy. Last evaluated: 2022-09-13. Review status: criteria provided, single submitter. Criteria: Invitae Variant Classification Sherloc (09022015). Collection method: clinical testing. Allele origin: germline.
Comment: In summary, the available evidence is currently insufficient to determine the role of this variant in disease. Therefore, it has been classified as a Variant of Uncertain Significance. Variants that disrupt the consensus splice site are a relatively common cause of aberrant splicing (PMID: 17576681, 9536098). Algorithms developed to predict the effect of sequence changes on RNA splicing suggest that this variant is not likely to affect RNA splicing. ClinVar contains an entry for this variant (Variation ID: 1372543). This variant has not been reported in the literature in individuals affected with MYOM1-related conditions. This variant is present in population databases (no rsID available, gnomAD 0.003%). This sequence change falls in intron 5 of the MYOM1 gene. It does not directly change the encoded amino acid sequence of the MYOM1 protein. It affects a nucleotide within the consensus splice site.

Literature cited by the submitters: PubMed 17576681; PubMed 9536098.

NM_003803.4(MYOM1):c.930-3T>C

Gene: MYOM1 (myomesin 1; minus strand). Cytogenetic location: 18p11.31.
Variant type: single nucleotide variant.
Coding change: c.930-3T>C on transcript NM_003803.4 (MANE Select); 3 bases into the intron before coding-DNA position 930, T replaced by C.
Molecular consequence: intron variant.
Genome position (GRCh38, 1-based): chr18:3,176,137, A>G on the plus strand (T>C on the coding strand, the complement: MYOM1 is on the minus strand). VCF-style: chr18-3176137-A-G. GRCh37 (hg19) VCF-style: chr18-3176135-A-G.
Other names: c.930-3T>C (NM_019856.2).
Identifiers: ClinVar variation 1372543 (VCV001372543.6), dbSNP rs1301794916, ClinGen allele CA628057874.